The following is an entry in ClinVar:

NM_198253.3(TERT):c.172G>T (p.Val58Leu)

Genes: TERT (telomerase reverse transcriptase; minus strand), LOC110806263 (TERT 5' regulatory region; plus strand). Cytogenetic location: 5p15.33.
Variant type: single nucleotide variant.
Coding change: c.172G>T on transcript NM_198253.3 (MANE Select); coding-DNA position 172, G replaced by T.
Protein change: p.Val58Leu; replaces valine 58 with leucine.
Molecular consequence: missense variant. On other transcripts: non-coding transcript variant (2).
Genome position (GRCh38, 1-based): chr5:1,294,818, C>A on the plus strand (G>T on the coding strand, the complement: TERT is on the minus strand). VCF-style: chr5-1294818-C-A. GRCh37 (hg19) VCF-style: chr5-1294933-C-A.
Other names: c.172G>T, p.Val58Leu (NM_001193376.3); short protein forms V58L.
Identifiers: ClinVar variation 5030657 (VCV005030657.1).

ClinVar aggregate classification (germline): Uncertain significance (1 of 4 stars; one submission).

Conditions:
Dyskeratosis congenita. Identifiers: Orphanet 1775, MedGen C0265965, MONDO:0015780.

Submission:

Ambry Genetics
Classification: Uncertain significance for Dyskeratosis congenita. Last evaluated: 2026-08-10. Review status: criteria provided, single submitter. Criteria: Ambry Variant Classification Scheme 2023. Collection method: clinical testing. Allele origin: germline.
Comment: The p.V58L variant (also known as c.172G>T), located in coding exon 1 of the TERT gene, results from a G to T substitution at nucleotide position 172. The valine at codon 58 is replaced by leucine, an amino acid with highly similar properties. This amino acid position is conserved. In addition, this alteration is predicted to be tolerated by in silico analysis. Based on the available evidence, the clinical significance of this variant remains unclear.